The following is an entry in ClinVar:

NM_000890.5(KCNJ5):c.367G>C (p.Asp123His)

Gene: KCNJ5 (potassium inwardly rectifying channel subfamily J member 5; plus strand). Cytogenetic location: 11q24.3.
Variant type: single nucleotide variant.
Coding change: c.367G>C on transcript NM_000890.5 (MANE Select); coding-DNA position 367, G replaced by C.
Protein change: p.Asp123His; replaces aspartic acid 123 with histidine.
Molecular consequence: missense variant.
Genome position (GRCh38, 1-based): chr11:128,911,640, G>C. VCF-style: chr11-128911640-G-C. GRCh37 (hg19) VCF-style: chr11-128781535-G-C.
Other names: c.367G>C, p.Asp123His (NM_001354169.2); short protein forms D123H.
Identifiers: ClinVar variation 4537840 (VCV004537840.3).

ClinVar aggregate classification (germline): Uncertain significance. Review status: criteria provided, multiple submitters, no conflicts (2 of 4 stars). 2 submissions from 2 submitters: Uncertain significance (2). Last evaluated 2026-01-26.

Conditions:
Long QT syndrome (LQTS). Identifiers: MedGen C0023976, MeSH D008133, MONDO:0002442. Disease mechanism: loss of function. Inheritance: Various modes of inheritance.

Submissions (2):

GeneDx
Classification: Uncertain significance. Last evaluated: 2026-01-26. Review status: criteria provided, single submitter. Criteria: GeneDx Variant Classification Process June 2021. Collection method: clinical testing. Allele origin: germline.
Comment: Has not been previously published as pathogenic or benign to our knowledge; Not observed at significant frequency in large population cohorts (gnomAD); In silico analysis supports that this missense variant has a deleterious effect on protein structure/function

Labcorp Genetics (formerly Invitae), Labcorp
Classification: Uncertain significance for Long QT syndrome. Last evaluated: 2025-06-03. Review status: criteria provided, single submitter. Criteria: Invitae Variant Classification Sherloc (09022015). Collection method: clinical testing. Allele origin: germline.
Comment: This sequence change replaces aspartic acid, which is acidic and polar, with histidine, which is basic and polar, at codon 123 of the KCNJ5 protein (p.Asp123His). This variant is not present in population databases (gnomAD no frequency). This variant has not been reported in the literature in individuals affected with KCNJ5-related conditions. Invitae Evidence Modeling of protein sequence and biophysical properties (such as structural, functional, and spatial information, amino acid conservation, physicochemical variation, residue mobility, and thermodynamic stability) indicates that this missense variant is not expected to disrupt KCNJ5 protein function with a negative predictive value of 80%. In summary, the available evidence is currently insufficient to determine the role of this variant in disease. Therefore, it has been classified as a Variant of Uncertain Significance.